The following is an entry in ClinVar:

ClinVar aggregate classification (germline): Benign/Likely benign. Review status: criteria provided, multiple submitters, no conflicts (2 of 4 stars). 6 submissions from 5 submitters: Benign (4); Likely benign (2). Last evaluated 2026-01-08.

Conditions:
Baraitser-winter syndrome 2. Identifiers: Orphanet 2995, MedGen C3281235, MONDO:0013812, OMIM 614583.
Autosomal dominant nonsyndromic hearing loss 20. Identifiers: Orphanet 90635, MedGen C1858172, MONDO:0011480, OMIM 604717.

Allele frequency attached by ClinVar (database versions not stated): ExAC 0.00027; TOPMed 0.00051; gnomAD 0.00056 and 0.00061; 1000 Genomes Project 30x 0.00078; 1000 Genomes Project 0.00100; ESP Exome Variant Server 0.00100.
gnomAD v4.1: 156 of 1,614,136 alleles (0.0097%); highest among the groups gnomAD compares: African/African-American, 0.2%; no homozygotes.

Submissions (6):

Labcorp Genetics (formerly Invitae), Labcorp
Classification: Likely benign for Baraitser-winter syndrome 2; Autosomal dominant nonsyndromic hearing loss 20. Last evaluated: 2026-01-08. Review status: criteria provided, single submitter. Criteria: Invitae Variant Classification Sherloc (09022015). Collection method: clinical testing. Allele origin: germline.

Blueprint Genetics
Classification: Likely benign. Last evaluated: 2024-07-19. Review status: criteria provided, single submitter. Criteria: ACMG Guidelines, 2015. Collection method: clinical testing. Allele origin: germline.

CeGaT Center for Human Genetics Tuebingen
Classification: Benign. Last evaluated: 2023-05-01. Review status: criteria provided, single submitter. Criteria: CeGaT Center For Human Genetics Tuebingen Variant Classification Criteria Version 2. Collection method: clinical testing. Allele origin: germline. Affected: yes. Observed: 1 variant allele.
Comment: ACTG1: BP4, BS1, BS2

Genome-Nilou Lab
Classification: Benign for Baraitser-winter syndrome 2. Last evaluated: 2021-12-05. Review status: criteria provided, single submitter. Criteria: ACMG Guidelines, 2015. Collection method: clinical testing. Allele origin: germline. Affected: no.

Genome-Nilou Lab
Classification: Benign for Autosomal dominant nonsyndromic hearing loss 20. Last evaluated: 2021-12-05. Review status: criteria provided, single submitter. Criteria: ACMG Guidelines, 2015. Collection method: clinical testing. Allele origin: germline. Affected: no.

GeneDx
Classification: Benign. Last evaluated: 2018-10-04. Review status: criteria provided, single submitter. Criteria: GeneDx Variant Classification Process June 2021. Collection method: clinical testing. Allele origin: germline. Affected: yes.

NM_001614.5(ACTG1):c.363+5G>A

Gene: ACTG1 (actin gamma 1; minus strand). Cytogenetic location: 17q25.3.
Variant type: single nucleotide variant.
Coding change: c.363+5G>A on transcript NM_001614.5 (MANE Select); 5 bases into the intron after coding-DNA position 363, G replaced by A.
Molecular consequence: intron variant.
Genome position (GRCh38, 1-based): chr17:81,511,898, C>T on the plus strand (G>A on the coding strand, the complement: ACTG1 is on the minus strand). VCF-style: chr17-81511898-C-T. GRCh37 (hg19) VCF-style: chr17-79478924-C-T.
Other names: c.363+5G>A (NM_001199954.3).
Identifiers: ClinVar variation 704149 (VCV000704149.36), dbSNP rs116329164, ClinGen allele CA8836269.